The following is an entry in ClinVar:

NM_006030.4(CACNA2D2):c.1298_1299del (p.Asn432_Tyr433insTer)

Gene: CACNA2D2 (calcium voltage-gated channel auxiliary subunit alpha2delta 2; minus strand). Cytogenetic location: 3p21.31.
Variant type: Deletion.
Coding change: c.1298_1299del on transcript NM_006030.4 (MANE Select); coding-DNA positions 1298 to 1299, 2 bases deleted (AT; older notation c.1298_1299delAT).
Protein change: p.Asn432_Tyr433insTer.
Molecular consequence: nonsense.
Genome position (GRCh38, 1-based): chr3:50,378,955-50,378,956, AT deleted on the plus strand (AT on the coding strand, the reverse complement: CACNA2D2 is on the minus strand); deleting any 2 consecutive bases within chr3:50,378,955-50,378,957 gives the same sequence; the c. name uses the placement nearest the transcript's 3' end. VCF-style (leftmost placement, unchanged base first): chr3-50378954-CAT-C. GRCh37 (hg19) VCF-style: chr3-50416385-CAT-C.
Other names: c.1298_1299del, p.Asn432_Tyr433insTer (NM_001005505.3, NM_001174051.3, NM_001410768.1); c.1091_1092del, p.Asn363_Tyr364insTer (NM_001291101.1).
Identifiers: ClinVar variation 2745455 (VCV002745455.3), dbSNP rs2471027512, ClinGen allele CA2697550981.
Genomic context (GRCh38, chr3:50,378,954, plus strand): 5'-AGTGATGCGCAGGGGAGGTACCTTTGTTGGCACAGGCCATCCACTGCAGCGGTGTGACGT[CAT>C]AGTTATGCTGCCCCACGGAGAAAGTAAACACGCGCACCTGTGGGGGGTTTGAGGTTACTG-3'

ClinVar aggregate classification (germline): Pathogenic (1 of 4 stars; one submission).

Conditions:
Early-infantile DEE. Also called: Early infantile epileptic encephalopathy with suppression bursts; Early infantile epileptic encephalopathy; Ohtahara syndrome. Identifiers: Orphanet 1934, MedGen C0393706, MONDO:0800491.

Submission:

Labcorp Genetics (formerly Invitae), Labcorp
Classification: Pathogenic for Early-infantile DEE. Last evaluated: 2023-07-20. Review status: criteria provided, single submitter. Criteria: Invitae Variant Classification Sherloc (09022015). Collection method: clinical testing. Allele origin: germline.
Comment: This sequence change creates a premature translational stop signal (p.Tyr433*) in the CACNA2D2 gene. It is expected to result in an absent or disrupted protein product. Loss-of-function variants in CACNA2D2 are known to be pathogenic (PMID: 24358150). This variant is not present in population databases (gnomAD no frequency). This variant has not been reported in the literature in individuals affected with CACNA2D2-related conditions. For these reasons, this variant has been classified as Pathogenic.

Literature cited by the submitters: PubMed 24358150.